The following is an entry in ClinVar:

ClinVar aggregate classification (germline): Benign. Review status: criteria provided, single submitter (1 of 4 stars). 2 submissions from 2 submitters: Benign (1). 1 of the submissions does not count toward it. Last evaluated 2025-09-09.

Conditions:
HIVEP2-related disorder. Also called: HIVEP2-related condition.

Allele frequency attached by ClinVar (database versions not stated): gnomAD 0.00013; gnomAD exomes 0.00001; TOPMed 0.00011.
gnomAD v4.1: 29 of 1,614,066 alleles (0.0018%); highest among the groups gnomAD compares: African/African-American, 0.037%; no homozygotes.

Submissions (2):

Labcorp Genetics (formerly Invitae), Labcorp
Classification: Benign. Last evaluated: 2025-09-09. Review status: criteria provided, single submitter. Criteria: Invitae Variant Classification Sherloc (09022015). Collection method: clinical testing. Allele origin: germline.

PreventionGenetics, part of Exact Sciences
Classification: Likely benign for HIVEP2-related condition. Last evaluated: 2019-08-28. Review status: no assertion criteria provided. Collection method: clinical testing. Allele origin: germline. Not counted in ClinVar's aggregate classification.
Comment: This variant is classified as likely benign based on ACMG/AMP sequence variant interpretation guidelines (Richards et al. 2015 PMID: 25741868, with internal and published modifications).

NM_006734.4(HIVEP2):c.4056C>T (p.Ser1352=)

Gene: HIVEP2 (HIVEP zinc finger 2; minus strand). Cytogenetic location: 6q24.2.
Variant type: single nucleotide variant.
Coding change: c.4056C>T on transcript NM_006734.4 (MANE Select); coding-DNA position 4056, C replaced by T.
Protein change: p.Ser1352=; no amino-acid change (serine 1352 retained).
Molecular consequence: synonymous variant.
Genome position (GRCh38, 1-based): chr6:142,770,683, G>A on the plus strand (C>T on the coding strand, the complement: HIVEP2 is on the minus strand). VCF-style: chr6-142770683-G-A. GRCh37 (hg19) VCF-style: chr6-143091820-G-A.
Identifiers: ClinVar variation 3052527 (VCV003052527.3), dbSNP rs894632476, ClinGen allele CA149015222.